The following is an entry in ClinVar:

ClinVar aggregate classification (germline): Conflicting classifications of pathogenicity. Review status: criteria provided, conflicting classifications (1 of 4 stars). 3 submissions from 3 submitters: Uncertain significance (1); Benign (1); Likely benign (1). Last evaluated 2025-05-17.

Allele frequency attached by ClinVar (database versions not stated): gnomAD exomes below 0.00001 and 0.00001; ExAC 0.00001; gnomAD 0.00001; TOPMed 0.00001.
gnomAD v4.1: 17 of 1,613,622 alleles (0.0011%); highest among the groups gnomAD compares: African/African-American, 0.0027%; no homozygotes.

Submissions (3):

Labcorp Genetics (formerly Invitae), Labcorp
Classification: Benign. Last evaluated: 2025-05-17. Review status: criteria provided, single submitter. Criteria: Invitae Variant Classification Sherloc (09022015). Collection method: clinical testing. Allele origin: germline.

CeGaT Center for Human Genetics Tuebingen
Classification: Likely benign. Last evaluated: 2022-11-01. Review status: criteria provided, single submitter. Criteria: CeGaT Center For Human Genetics Tuebingen Variant Classification Criteria Version 2. Collection method: clinical testing. Allele origin: germline. Affected: yes. Observed: 1 variant allele.
Comment: MTOR: PP2, BP4, BP5

Blueprint Genetics
Classification: Uncertain significance. Last evaluated: 2020-09-23. Review status: criteria provided, single submitter. Criteria: ACMG Guidelines, 2015. Collection method: clinical testing. Allele origin: germline.

NM_004958.4(MTOR):c.5048G>A (p.Arg1683Gln)

Gene: MTOR (mechanistic target of rapamycin kinase; minus strand). Cytogenetic location: 1p36.22.
Variant type: single nucleotide variant.
Coding change: c.5048G>A on transcript NM_004958.4 (MANE Select); coding-DNA position 5048, G replaced by A.
Protein change: p.Arg1683Gln; replaces arginine 1683 with glutamine.
Molecular consequence: missense variant.
Genome position (GRCh38, 1-based): chr1:11,139,386, C>T on the plus strand (G>A on the coding strand, the complement: MTOR is on the minus strand). VCF-style: chr1-11139386-C-T. GRCh37 (hg19) VCF-style: chr1-11199443-C-T.
Other names: short protein forms R1683Q.
Identifiers: ClinVar variation 853988 (VCV000853988.36), dbSNP rs746116382, ClinGen allele CA589463.